The following is an entry in ClinVar:

NM_001354930.2(RIPK1):c.730G>A (p.Gly244Arg)

Gene: RIPK1 (receptor interacting serine/threonine kinase 1; plus strand). Cytogenetic location: 6p25.2.
Variant type: single nucleotide variant.
Coding change: c.730G>A on transcript NM_001354930.2 (MANE Select); coding-DNA position 730, G replaced by A.
Protein change: p.Gly244Arg; replaces glycine 244 with arginine.
Molecular consequence: missense variant.
Genome position (GRCh38, 1-based): chr6:3,085,300, G>A. VCF-style: chr6-3085300-G-A. GRCh37 (hg19) VCF-style: chr6-3085534-G-A.
Other names: c.241G>A, p.Gly81Arg (NM_001317061.3, NM_001354932.2, NM_001354933.2 and 1 more transcripts); c.592G>A, p.Gly198Arg (NM_001354931.2); c.730G>A, p.Gly244Arg (NM_003804.6); short protein forms G81R, G198R, G244R.
Identifiers: ClinVar variation 4766089 (VCV004766089.1).

ClinVar aggregate classification (germline): Uncertain significance (1 of 4 stars; one submission).

Submission:

Labcorp Genetics (formerly Invitae), Labcorp
Classification: Uncertain significance. Last evaluated: 2025-10-27. Review status: criteria provided, single submitter. Criteria: Invitae Variant Classification Sherloc (09022015). Collection method: clinical testing. Allele origin: germline.
Comment: This sequence change replaces glycine, which is neutral and non-polar, with arginine, which is basic and polar, at codon 244 of the RIPK1 protein (p.Gly244Arg). This variant is not present in population databases (gnomAD no frequency). This variant has not been reported in the literature in individuals affected with RIPK1-related conditions. An algorithm developed to predict the effect of missense changes on protein structure and function (PolyPhen-2) suggests that this variant is likely to be disruptive. In summary, the available evidence is currently insufficient to determine the role of this variant in disease. Therefore, it has been classified as a Variant of Uncertain Significance.